The following is an entry in ClinVar:

ClinVar aggregate classification (germline): Pathogenic. Review status: criteria provided, multiple submitters, no conflicts (2 of 4 stars). 10 submissions from 10 submitters: Pathogenic (8). 2 of the submissions do not count toward it. Last evaluated 2026-01-26.

Conditions:
XPC-related disorder. Also called: XPC-related condition.
Xeroderma pigmentosum (XP). Identifiers: Orphanet 910, MedGen C0043346, MONDO:0019600.
Xeroderma pigmentosum, group C (XPC). Also called: XPC-Related Xeroderma Pigmentosum; XERODERMA PIGMENTOSUM III; XP, GROUP C; Xeroderma pigmentosum, complementation group C. Identifiers: Orphanet 910, MedGen C2752147, MONDO:0010211, OMIM 278720.

Allele frequency attached by ClinVar (database versions not stated): gnomAD 0.00001; gnomAD exomes 0.00001; TOPMed 0.00001; ExAC 0.00002; 1000 Genomes Project 30x 0.00016; 1000 Genomes Project 0.00020.
gnomAD v4.1: 11 of 1,613,826 alleles (0.00068%); highest among the groups gnomAD compares: East Asian, 0.0045%; no homozygotes.

Submissions (10):

Labcorp Genetics (formerly Invitae), Labcorp
Classification: Pathogenic. Last evaluated: 2026-01-26. Review status: criteria provided, single submitter. Criteria: Invitae Variant Classification Sherloc (09022015). Collection method: clinical testing. Allele origin: germline.
Comment: This sequence change creates a premature translational stop signal (p.Arg579*) in the XPC gene. It is expected to result in an absent or disrupted protein product. Loss-of-function variants in XPC are known to be pathogenic (PMID: 23173980, 25256075). This variant is present in population databases (rs121965088, gnomAD 0.006%). This premature translational stop signal has been observed in individuals with xeroderma pigmentosum (PMID: 10766188, 11511294, 25256075, 29330851). It has also been observed to segregate with disease in related individuals. This variant is also known as Arg579opal. ClinVar contains an entry for this variant (Variation ID: 259). For these reasons, this variant has been classified as Pathogenic.

Blueprint Genetics
Classification: Pathogenic for XPC-related disorders. Last evaluated: 2024-09-10. Review status: criteria provided, single submitter. Criteria: ACMG Guidelines, 2015. Collection method: clinical testing. Allele origin: germline. Affected: yes. Observed: 3 variant alleles.

Dasa
Classification: Pathogenic. Last evaluated: 2024-08-20. Review status: criteria provided, single submitter. Criteria: DASA Assertion Criteria. Collection method: clinical testing. Allele origin: germline.
Comment: NM_004628.5(XPC):c.1735C>T (p.Arg579*) introduces a premature termination codon predicted to result in loss of normal protein function. Loss-of-function is an established mechanism of disease for this gene. Functional evidence supports a deleterious effect on the gene or gene product (PMID: 11511294). This variant has been reported in individuals with related phenotype (PMID: 11511294). The variant is present at low frequency in population datasets. Based on the available data, this variant is classified as pathogenic.

GeneDx
Classification: Pathogenic. Last evaluated: 2023-09-01. Review status: criteria provided, single submitter. Criteria: GeneDx Variant Classification Process June 2021. Collection method: clinical testing. Allele origin: germline. Affected: yes.
Comment: Nonsense variant predicted to result in protein truncation or nonsense mediated decay in a gene for which loss of function is a known mechanism of disease; Published functional studies demonstrate loss-of-function of nucleotide excision repair (Bernardes de Jesus et al., 2008); This variant is associated with the following publications: (PMID: 29330851, 32239545, 25525159, 29356054, 31589614, 33077847, 10766188, 18809580, 33672602)

Baylor Genetics
Classification: Pathogenic for Xeroderma pigmentosum, group C. Last evaluated: 2023-05-12. Review status: criteria provided, single submitter. Criteria: ACMG Guidelines, 2015. Collection method: clinical testing. Allele origin: unknown.

Fulgent Genetics
Classification: Pathogenic for Xeroderma pigmentosum, group C. Last evaluated: 2021-08-12. Review status: criteria provided, single submitter. Criteria: ACMG Guidelines, 2015. Collection method: clinical testing. Allele origin: unknown.

Women's Health and Genetics/Laboratory Corporation of America, LabCorp
Classification: Pathogenic for Xeroderma pigmentosum. Last evaluated: 2020-09-25. Review status: criteria provided, single submitter. Criteria: LabCorp Variant Classification Summary - May 2015. Collection method: clinical testing. Allele origin: germline.
Comment: Variant summary: XPC c.1735C>T (p.Arg579X) results in a premature termination codon, predicted to cause a truncation of the encoded protein or absence of the protein due to nonsense mediated decay, which are commonly known mechanisms for disease. Truncations downstream of this position have been classified as pathogenic by our laboratory. 4/4 computational tools predict no significant impact on normal splicing. However, at least two publications experimental evidence that this variant affects mRNA splicing and results in the deletion of 3 end of exon 8. The variant allele was found at a frequency of 1.2e-05 in 249312 control chromosomes (gnomAD). c.1735C>T has been reported in the literature in individuals affected with Xeroderma Pigmentosum (Chavanne_2000, Gozukara_2001, Masaki_2018). These data indicate that the variant is likely to be associated with disease. At least two publications report experimental evidence evaluating an impact on protein function and results in DNA repair defect (Chavanne_2000, Gozukara_2001). Two ClinVar submitters (evaluation after 2014) cite the variant as pathogenic. Based on the evidence outlined above, the variant was classified as pathogenic.

Medical Molecular Genetics Department, National Research Center
Classification: Pathogenic for Xeroderma pigmentosum, group C. Last evaluated: 2015-12-01. Review status: criteria provided, single submitter. Criteria: ACMG Guidelines, 2015. Collection method: research. Allele origin: germline. Inheritance: Autosomal recessive inheritance. Affected: yes. Observed: 2 variant alleles, 2 homozygotes.

Counsyl
Classification: Pathogenic for Xeroderma pigmentosum, group C. Last evaluated: 2017-12-29. Review status: no assertion criteria provided. Collection method: clinical testing. Allele origin: unknown. Not counted in ClinVar's aggregate classification.

OMIM
Classification: Pathogenic for XERODERMA PIGMENTOSUM, COMPLEMENTATION GROUP C. Last evaluated: 2001-08-01. Review status: no assertion criteria provided. Collection method: literature only. Allele origin: germline. Not counted in ClinVar's aggregate classification.

Literature cited by the submitters: PubMed 23173980 (cited by Labcorp Genetics (formerly Invitae), Labcorp); PubMed 25256075 (cited by Labcorp Genetics (formerly Invitae), Labcorp and Counsyl); PubMed 10766188 (cited by 5 submitters); PubMed 11511294 (cited by 5 submitters); PubMed 29330851 (cited by Labcorp Genetics (formerly Invitae), Labcorp and Women's Health and Genetics/Laboratory Corporation of America, LabCorp); PubMed 24218596 (cited by Counsyl).

NM_004628.5(XPC):c.1735C>T (p.Arg579Ter)

Gene: XPC (XPC complex subunit, DNA damage recognition and repair factor; minus strand). Cytogenetic location: 3p25.1.
Variant type: single nucleotide variant.
Coding change: c.1735C>T on transcript NM_004628.5 (MANE Select); coding-DNA position 1735, C replaced by T.
Protein change: p.Arg579Ter; replaces arginine 579 with a stop codon.
Molecular consequence: nonsense. On other transcripts: non-coding transcript variant (2), intron variant (1).
Genome position (GRCh38, 1-based): chr3:14,158,148, G>A on the plus strand (C>T on the coding strand, the complement: XPC is on the minus strand). VCF-style: chr3-14158148-G-A. GRCh37 (hg19) VCF-style: chr3-14199648-G-A.
Other names: c.1156C>T, p.Arg386Ter (NM_001354726.2); c.1735C>T, p.Arg579Ter (NM_001354727.2); c.1717C>T, p.Arg573Ter (NM_001354729.2); c.1626+109C>T (NM_001354730.2); short protein forms R579*, R573*, R386*.
Identifiers: ClinVar variation 259 (VCV000000259.17), dbSNP rs121965088, ClinGen allele CA251394.